The following is an entry in ClinVar:

NM_199420.4(POLQ):c.4175T>C (p.Leu1392Pro)

Gene: POLQ (DNA polymerase theta; minus strand). Cytogenetic location: 3q13.33.
Variant type: single nucleotide variant.
Coding change: c.4175T>C on transcript NM_199420.4 (MANE Select); coding-DNA position 4175, T replaced by C.
Protein change: p.Leu1392Pro; replaces leucine 1392 with proline.
Molecular consequence: missense variant.
Genome position (GRCh38, 1-based): chr3:121,488,756, A>G on the plus strand (T>C on the coding strand, the complement: POLQ is on the minus strand). VCF-style: chr3-121488756-A-G. GRCh37 (hg19) VCF-style: chr3-121207603-A-G.
Other names: short protein forms L1392P.
Identifiers: ClinVar variation 1738447 (VCV001738447.2), dbSNP rs762734453, ClinGen allele CA354095885.
Genomic context (GRCh38, chr3:121,488,756, plus strand): 5'-GGAGTCAGGATATCAACCCCATGTGAATCACTGCTTTGTTTCATAGTACCTACAGTCTTA[A>G]GGTCCAAATGATCTATCTTAGTCGCTCCTAGAGGGTGCTGTTCAGCAGGAAAAGGAATGT-3'
Protein context (NP_955452.3, residues 1382-1402): LGATKIDHLD[Leu1392Pro]KTVGTMKQSS

ClinVar aggregate classification (germline): Uncertain significance (1 of 4 stars; one submission).

Submission:

Ambry Genetics
Classification: Uncertain significance. Last evaluated: 2022-06-24. Review status: criteria provided, single submitter. Criteria: Ambry Variant Classification Scheme 2023. Collection method: clinical testing. Allele origin: germline.
Comment: The p.L1392P variant (also known as c.4175T>C), located in coding exon 16 of the POLQ gene, results from a T to C substitution at nucleotide position 4175. The leucine at codon 1392 is replaced by proline, an amino acid with similar properties. This amino acid position is conserved. In addition, this alteration is predicted to be tolerated by in silico analysis. Since supporting evidence is limited at this time, the clinical significance of this alteration remains unclear.